The following is an entry in ClinVar:

NM_001267550.2(TTN):c.52999C>T (p.Gln17667Ter)

Genes: TTN (titin; minus strand), TTN-AS1 (TTN antisense RNA 1; plus strand), LOC126806425 (BRD4-independent group 4 enhancer GRCh37_chr2:179471933-179473132; plus strand). Cytogenetic location: 2q31.2.
Variant type: single nucleotide variant.
Coding change: c.52999C>T on transcript NM_001267550.2 (MANE Select); coding-DNA position 52999, C replaced by T.
Protein change: p.Gln17667Ter; replaces glutamine 17667 with a stop codon.
Molecular consequence: nonsense.
Genome position (GRCh38, 1-based): chr2:178,607,788, G>A on the plus strand (C>T on the coding strand, the complement: TTN is on the minus strand). VCF-style: chr2-178607788-G-A. GRCh37 (hg19) VCF-style: chr2-179472515-G-A.
Other names: p.Q16026*:CAA>TAA; c.48076C>T, p.Gln16026Ter (NM_001256850.1); c.25804C>T, p.Gln8602Ter (NM_003319.4); c.45295C>T, p.Gln15099Ter (NM_133378.4); c.26179C>T, p.Gln8727Ter (NM_133432.3); c.26380C>T, p.Gln8794Ter (NM_133437.4); short protein forms Q16026*, Q17667*, Q8727*, Q15099*, Q8794*, Q8602*.
Identifiers: ClinVar variation 202388 (VCV000202388.28), dbSNP rs794729272, ClinGen allele CA309267.

ClinVar aggregate classification (germline): Pathogenic/Likely pathogenic. Review status: criteria provided, multiple submitters, no conflicts (2 of 4 stars). 4 submissions from 4 submitters: Pathogenic (1); Likely pathogenic (3). Last evaluated 2024-01-31.

Conditions:
TTN-related disorder. Also called: TTN-related disorders; TTN-related condition; TTN-related disease.
Cardiovascular phenotype. Identifiers: MedGen CN230736.

Submissions (4):

Molecular Diagnostic Laboratory for Inherited Cardiovascular Disease, Montreal Heart Institute
Classification: Pathogenic for Cardiovascular phenotype. Last evaluated: 2024-01-31. Review status: criteria provided, single submitter. Criteria: ACMG Guidelines, 2015. Collection method: clinical testing. Allele origin: germline. Affected: yes.
Comment: PVS1, PM2, PP5

CeGaT Center for Human Genetics Tuebingen
Classification: Likely pathogenic. Last evaluated: 2023-07-01. Review status: criteria provided, single submitter. Criteria: CeGaT Center For Human Genetics Tuebingen Variant Classification Criteria Version 2. Collection method: clinical testing. Allele origin: germline. Affected: yes. Observed: 1 variant allele.
Comment: TTN: PVS1:Strong, PM2

Blueprint Genetics
Classification: Likely pathogenic for TTN-related disorders. Last evaluated: 2019-03-06. Review status: criteria provided, single submitter. Criteria: ACMG Guidelines, 2015. Collection method: clinical testing. Allele origin: germline. Affected: yes. Observed: 1 variant allele.

GeneDx
Classification: Likely pathogenic. Last evaluated: 2017-04-04. Review status: criteria provided, single submitter. Criteria: GeneDx Variant Classification (06012015). Collection method: clinical testing. Allele origin: germline. Affected: yes.
Comment: The Gln16026Stop non-sense variant in the TTN gene has not been reported previously as a pathogenic variant or as a benign polymorphism, to our knowledge. Gln16026Stop is predicted to cause loss of normal protein function either due to production of an abnormal, prematurely truncated protein, or by absence of protein product due to nonsense mediated mRNA decay. Gln16026Stop is located in the A-band region of titin, where the majority of truncating variants associated with DCM have been reported (Herman D et al., 2012), albeit other truncating TTN variants also have been reported in approximately 3% of control alleles (Herman D et al., 2012). Based on currently available evidence, Q16026X is a strong candidate for a pathogenic variant. However, the possibility it is a rare benign variant cannot be excluded.